The following is an entry in ClinVar:

NM_001356.5(DDX3X):c.124C>T (p.His42Tyr)

Gene: DDX3X (DEAD-box helicase 3 X-linked; plus strand). Cytogenetic location: Xp11.4.
Variant type: single nucleotide variant.
Coding change: c.124C>T on transcript NM_001356.5 (MANE Select); coding-DNA position 124, C replaced by T.
Protein change: p.His42Tyr; replaces histidine 42 with tyrosine.
Molecular consequence: missense variant. On other transcripts: 5 prime UTR variant (1), non-coding transcript variant (1), intron variant (1).
Genome position (GRCh38, 1-based): chrX:41,339,056, C>T. VCF-style: chrX-41339056-C-T. GRCh37 (hg19) VCF-style: chrX-41198309-C-T.
Other names: c.124C>T, p.His42Tyr (NM_001193416.3); c.-435C>T (NM_001363819.1); c.103+1591C>T (NM_001193417.3); short protein forms H42Y.
Identifiers: ClinVar variation 4681130 (VCV004681130.1).

ClinVar aggregate classification (germline): Uncertain significance (1 of 4 stars; one submission).

Submission:

GeneDx
Classification: Uncertain significance. Last evaluated: 2025-07-02. Review status: criteria provided, single submitter. Criteria: GeneDx Variant Classification Process June 2021. Collection method: clinical testing. Allele origin: germline. Affected: yes.
Comment: Not observed at significant frequency in large population cohorts (gnomAD); In silico analysis supports that this missense variant has a deleterious effect on protein structure/function; Has not been previously published as pathogenic or benign to our knowledge